The following is an entry in ClinVar:

NM_000465.4(BARD1):c.468T>G (p.Tyr156Ter)

Gene: BARD1 (BRCA1 associated RING domain 1; minus strand). Cytogenetic location: 2q35.
Variant type: single nucleotide variant.
Coding change: c.468T>G on transcript NM_000465.4 (MANE Select); coding-DNA position 468, T replaced by G.
Protein change: p.Tyr156Ter; replaces tyrosine 156 with a stop codon.
Molecular consequence: nonsense. On other transcripts: non-coding transcript variant (2), intron variant (3).
Genome position (GRCh38, 1-based): chr2:214,781,406, A>C on the plus strand (T>G on the coding strand, the complement: BARD1 is on the minus strand). VCF-style: chr2-214781406-A-C. GRCh37 (hg19) VCF-style: chr2-215646130-A-C.
Other names: c.411T>G, p.Tyr137Ter (NM_001282543.2); c.158+28006T>G (NM_001282548.2); c.215+15655T>G (NM_001282545.2); c.364+10891T>G (NM_001282549.2); short protein forms Y137*, Y156*.
Identifiers: ClinVar variation 2583599 (VCV002583599.2), dbSNP rs1436038663, ClinGen allele CA350457607.

ClinVar aggregate classification (germline): Pathogenic (1 of 4 stars; one submission).

Conditions:
Familial cancer of breast. Also called: Hereditary breast cancer; BREAST CANCER, FAMILIAL; hereditary breast carcinoma. Identifiers: Orphanet 227535, MedGen C0346153, MONDO:0016419, OMIM 114480. Disease mechanism: loss of function.

Submission:

Myriad Genetics, Inc.
Classification: Pathogenic for Familial cancer of breast. Last evaluated: 2023-05-18. Review status: criteria provided, single submitter. Criteria: Myriad Autosomal Dominant, Autosomal Recessive and X-Linked Classification Criteria (2023). Collection method: clinical testing. Allele origin: unknown.
Comment: This variant is considered pathogenic. This variant creates a termination codon and is predicted to result in premature protein truncation.